The following is an entry in ClinVar:

ClinVar aggregate classification (germline): Likely benign (0 of 4 stars; one submission).

Conditions:
PLXNA3-related disorder. Also called: PLXNA3-related condition.

Submission:

PreventionGenetics, part of Exact Sciences
Classification: Likely benign for PLXNA3-related condition. Last evaluated: 2022-01-10. Review status: no assertion criteria provided. Collection method: clinical testing. Allele origin: germline.
Comment: This variant is classified as likely benign based on ACMG/AMP sequence variant interpretation guidelines (Richards et al. 2015 PMID: 25741868, with internal and published modifications).

NM_017514.5(PLXNA3):c.3492T>G (p.Thr1164=)

Gene: PLXNA3 (plexin A3; plus strand). Cytogenetic location: Xq28.
Variant type: single nucleotide variant.
Coding change: c.3492T>G on transcript NM_017514.5 (MANE Select); coding-DNA position 3492, T replaced by G.
Protein change: p.Thr1164=; no amino-acid change (threonine 1164 retained).
Molecular consequence: synonymous variant.
Genome position (GRCh38, 1-based): chrX:154,467,595, T>G. VCF-style: chrX-154467595-T-G. GRCh37 (hg19) VCF-style: chrX-153695938-T-G.
Identifiers: ClinVar variation 3357798 (VCV003357798.1).